The following is an entry in ClinVar:

NM_000260.4(MYO7A):c.6355-2A>G

Gene: MYO7A (myosin VIIA; plus strand). Cytogenetic location: 11q13.5.
Variant type: single nucleotide variant.
Coding change: c.6355-2A>G on transcript NM_000260.4 (MANE Select); the canonical splice acceptor site of the intron before coding-DNA position 6355, A replaced by G.
Molecular consequence: splice acceptor variant.
Genome position (GRCh38, 1-based): chr11:77,212,950, A>G. VCF-style: chr11-77212950-A-G. GRCh37 (hg19) VCF-style: chr11-76923995-A-G.
Other names: c.6208-2A>G (NM_001369365.1); c.6235-2A>G (NM_001127180.2).
Identifiers: ClinVar variation 866799 (VCV000866799.7), dbSNP rs1957972028, ClinGen allele CA381937450.

ClinVar aggregate classification (germline): Likely pathogenic. Review status: criteria provided, multiple submitters, no conflicts (2 of 4 stars). 2 submissions from 2 submitters: Likely pathogenic (2). Last evaluated 2022-10-13.

Conditions:
MYO7A-related disorder. Also called: MYO7A-related disorders.

Allele frequency attached by ClinVar (database versions not stated): gnomAD exomes 0.00001.
gnomAD v4.1: 8 of 1,588,568 alleles (0.0005%); highest among the groups gnomAD compares: Non-Finnish European, 0.00069%; no homozygotes.

Submissions (2):

Labcorp Genetics (formerly Invitae), Labcorp
Classification: Likely pathogenic. Last evaluated: 2022-10-13. Review status: criteria provided, single submitter. Criteria: Invitae Variant Classification Sherloc (09022015). Collection method: clinical testing. Allele origin: germline.
Comment: This sequence change affects an acceptor splice site in intron 46 of the MYO7A gene. It is expected to disrupt RNA splicing. Variants that disrupt the donor or acceptor splice site typically lead to a loss of protein function (PMID: 16199547), and loss-of-function variants in MYO7A are known to be pathogenic (PMID: 8900236, 25404053). In summary, the currently available evidence indicates that the variant is pathogenic, but additional data are needed to prove that conclusively. Therefore, this variant has been classified as Likely Pathogenic. Algorithms developed to predict the effect of sequence changes on RNA splicing suggest that this variant may disrupt the consensus splice site. ClinVar contains an entry for this variant (Variation ID: 866799). Disruption of this splice site has been observed in individual(s) with Usher syndrome type 1 (PMID: 25468891). This variant is not present in population databases (gnomAD no frequency).

Blueprint Genetics
Classification: Likely pathogenic for MYO7A-related disorders. Last evaluated: 2018-08-02. Review status: criteria provided, single submitter. Criteria: ACMG Guidelines, 2015. Collection method: clinical testing. Allele origin: germline. Affected: yes. Observed: 1 variant allele.

Literature cited by the submitters: PubMed 16199547 (cited by Labcorp Genetics (formerly Invitae), Labcorp); PubMed 8900236 (cited by Labcorp Genetics (formerly Invitae), Labcorp); PubMed 25404053 (cited by Labcorp Genetics (formerly Invitae), Labcorp); PubMed 25468891 (cited by Labcorp Genetics (formerly Invitae), Labcorp).